The following is an entry in ClinVar:

NM_016529.6(ATP8A2):c.76+10G>A

Gene: ATP8A2 (ATPase phospholipid transporting 8A2). Cytogenetic location: 13q12.13.
Variant type: single nucleotide variant.
Coding change: c.76+10G>A on transcript NM_016529.6 (MANE Select); 10 bases into the intron after coding-DNA position 76, G replaced by A.
Molecular consequence: intron variant.
Genome position (GRCh38, 1-based): chr13:25,372,298, G>A. VCF-style: chr13-25372298-G-A. GRCh37 (hg19) VCF-style: chr13-25946436-G-A.
Other names: c.76+10G>A (NM_016529.5).
Identifiers: ClinVar variation 446062 (VCV000446062.13), dbSNP rs369291641, ClinGen allele CA6922436.

ClinVar aggregate classification (germline): Conflicting classifications of pathogenicity. Review status: criteria provided, conflicting classifications (1 of 4 stars). 4 submissions from 4 submitters: Uncertain significance (1); Benign (1); Likely benign (1). 1 of the submissions does not count toward it. Last evaluated 2025-12-03.

Conditions:
ATP8A2-related disorder. Also called: ATP8A2-related condition.

Allele frequency attached by ClinVar (database versions not stated): ESP Exome Variant Server 0.00041; gnomAD 0.00081; TOPMed 0.00092; gnomAD exomes 0.00117 and 0.00127; ExAC 0.00147.
gnomAD v4.1: 1,825 of 1,464,832 alleles (0.12%); highest among the groups gnomAD compares: Non-Finnish European, 0.13%; no homozygotes.

Submissions (4):

Labcorp Genetics (formerly Invitae), Labcorp
Classification: Benign. Last evaluated: 2025-12-03. Review status: criteria provided, single submitter. Criteria: Invitae Variant Classification Sherloc (09022015). Collection method: clinical testing. Allele origin: germline.

Blueprint Genetics
Classification: Likely benign. Last evaluated: 2024-11-13. Review status: criteria provided, single submitter. Criteria: ACMG Guidelines, 2015. Collection method: clinical testing. Allele origin: germline.

Center for Pediatric Genomic Medicine, Children's Mercy Hospital and Clinics
Classification: Uncertain significance. Last evaluated: 2017-06-26. Review status: criteria provided, single submitter. Criteria: ACMG Guidelines, 2015. Collection method: clinical testing. Allele origin: germline.

PreventionGenetics, part of Exact Sciences
Classification: Benign for ATP8A2-related condition. Last evaluated: 2019-10-28. Review status: no assertion criteria provided. Collection method: clinical testing. Allele origin: germline. Not counted in ClinVar's aggregate classification.
Comment: This variant is classified as benign based on ACMG/AMP sequence variant interpretation guidelines (Richards et al. 2015 PMID: 25741868, with internal and published modifications).